The following is an entry in ClinVar:

ClinVar aggregate classification (germline): Conflicting classifications of pathogenicity. Review status: criteria provided, conflicting classifications (1 of 4 stars). 5 submissions from 5 submitters: Pathogenic (3); Uncertain significance (2). Last evaluated 2025-12-02.

Conditions:
Primary ciliary dyskinesia. Also called: Ciliary dyskinesia. Identifiers: Orphanet 244, MedGen C0008780, MONDO:0016575, HP:0012265.
Primary ciliary dyskinesia 9. Also called: CILIARY DYSKINESIA, PRIMARY, 9, WITH OR WITHOUT SITUS INVERSUS. Identifiers: Orphanet 244, MedGen C2676235, MONDO:0012906, OMIM 612444.

Allele frequency attached by ClinVar (database versions not stated): TOPMed below 0.00001; gnomAD 0.00001; gnomAD exomes 0.00001 and 0.00002; ExAC 0.00002; ESP Exome Variant Server 0.00008.

Submissions (5):

Myriad Genetics, Inc.
Classification: Uncertain significance for Primary ciliary dyskinesia 9. Last evaluated: 2025-12-02. Review status: criteria provided, single submitter. Criteria: Myriad Autosomal Dominant, Autosomal Recessive and X-Linked Classification Criteria (2023). Collection method: clinical testing. Allele origin: unknown.
Comment: NM_023036.4(DNAI2):c.1697delA(D566Afs*3) is a frameshift variant classified as a variant of uncertain significance in the context of primary ciliary dyskinesia, DNAI2-related. D566Afs*3 has not been observed in cases with relevant disease. Relevant functional assessments of this variant are not available in the literature. D566Afs*3 has been observed in referenced population frequency databases. In summary, there is insufficient evidence to classify NM_023036.4(DNAI2):c.1697delA(D566Afs*3) as pathogenic or benign. Please note: this variant was assessed in the context of healthy population screening.

Labcorp Genetics (formerly Invitae), Labcorp
Classification: Pathogenic for Primary ciliary dyskinesia. Last evaluated: 2024-12-14. Review status: criteria provided, single submitter. Criteria: Invitae Variant Classification Sherloc (09022015). Collection method: clinical testing. Allele origin: germline.
Comment: This sequence change creates a premature translational stop signal (p.Asp566Alafs*3) in the DNAI2 gene. It is expected to result in an absent or disrupted protein product. Loss-of-function variants in DNAI2 are known to be pathogenic (PMID: 18950741, 23891469). This variant is present in population databases (rs764971993, gnomAD 0.003%). This variant has not been reported in the literature in individuals affected with DNAI2-related conditions. ClinVar contains an entry for this variant (Variation ID: 288257). For these reasons, this variant has been classified as Pathogenic.

GeneDx
Classification: Uncertain significance. Last evaluated: 2024-03-13. Review status: criteria provided, single submitter. Criteria: GeneDx Variant Classification Process June 2021. Collection method: clinical testing. Allele origin: germline. Affected: yes.
Comment: Frameshift variant predicted to result in abnormal protein length as the last 40 amino acids are replaced with 2 different amino acids; Not observed at significant frequency in large population cohorts (gnomAD); Has not been previously published as pathogenic or benign to our knowledge

Ambry Genetics
Classification: Pathogenic for Primary ciliary dyskinesia. Last evaluated: 2023-10-17. Review status: criteria provided, single submitter. Criteria: Ambry Variant Classification Scheme 2023. Collection method: clinical testing. Allele origin: germline.
Comment: The c.1697delA pathogenic mutation, located in coding exon 11 of the DNAI2 gene, results from a deletion of one nucleotide at nucleotide position 1697, causing a translational frameshift with a predicted alternate stop codon (p.D566Afs*3). This variant is considered to be rare based on population cohorts in the Genome Aggregation Database (gnomAD). This alteration is expected to result in loss of function by premature protein truncation or nonsense-mediated mRNA decay. As such, this alteration is interpreted as a disease-causing mutation.

Eurofins Ntd Llc (ga)
Classification: Pathogenic. Last evaluated: 2016-05-24. Review status: criteria provided, single submitter. Criteria: EGL Classification Definitions 2015. Collection method: clinical testing. Allele origin: germline. Observed: 1 variant allele, 1 heterozygote.

Literature cited by the submitters: PubMed 18950741 (cited by Labcorp Genetics (formerly Invitae), Labcorp); PubMed 23891469 (cited by Labcorp Genetics (formerly Invitae), Labcorp).

NM_023036.6(DNAI2):c.1697del (p.Asp566fs)

Gene: DNAI2 (dynein axonemal intermediate chain 2; plus strand). Cytogenetic location: 17q25.1.
Variant type: Deletion.
Coding change: c.1697del on transcript NM_023036.6 (MANE Select); coding-DNA position 1697, one base deleted (A; older notation c.1697delA).
Protein change: p.Asp566fs; shifts the reading frame from aspartic acid 566.
Molecular consequence: frameshift variant.
Genome position (GRCh38, 1-based): chr17:74,312,205, A deleted. VCF-style (leftmost placement, unchanged base first): chr17-74312204-GA-G. GRCh37 (hg19) VCF-style: chr17-72308343-GA-G.
Other names: c.1661del, p.Asp554fs (NM_001172810.3); c.1697del, p.Asp566fs (NM_001353167.2); c.1697delA (NM_023036.4); c.1697del (NM_023036.4); short protein forms D566fs, D554fs.
Identifiers: ClinVar variation 288257 (VCV000288257.14), dbSNP rs764971993, ClinGen allele CA8745865.